The following is an entry in ClinVar:

NM_001042492.3(NF1):c.8285A>C (p.Tyr2762Ser)

Gene: NF1 (neurofibromin 1; plus strand). Cytogenetic location: 17q11.2.
Variant type: single nucleotide variant.
Coding change: c.8285A>C on transcript NM_001042492.3 (MANE Select); coding-DNA position 8285, A replaced by C.
Protein change: p.Tyr2762Ser; replaces tyrosine 2762 with serine.
Molecular consequence: missense variant.
Genome position (GRCh38, 1-based): chr17:31,360,611, A>C. VCF-style: chr17-31360611-A-C. GRCh37 (hg19) VCF-style: chr17-29687629-A-C.
Other names: c.8222A>C, p.Tyr2741Ser (NM_000267.4); short protein forms Y2762S, Y2741S.
Identifiers: ClinVar variation 827521 (VCV000827521.4), dbSNP rs1597870238, ClinGen allele CA399204824.

ClinVar aggregate classification (germline): Uncertain significance (1 of 4 stars; one submission).

Conditions:
Hereditary cancer-predisposing syndrome. Also called: Neoplastic Syndromes, Hereditary; Tumor predisposition; Hereditary neoplastic syndrome; Hereditary Cancer Syndrome. Identifiers: Orphanet 140162, MedGen C0027672, MeSH D009386, MONDO:0015356.
Cardiovascular phenotype. Identifiers: MedGen CN230736.

Submission:

Ambry Genetics
Classification: Uncertain significance for Cardiovascular phenotype; Hereditary cancer-predisposing syndrome. Last evaluated: 2018-03-26. Review status: criteria provided, single submitter. Criteria: Ambry Variant Classification Scheme 2023. Collection method: clinical testing. Allele origin: germline.
Comment: The p.Y2741S variant (also known as c.8222A>C), located in coding exon 56 of the NF1 gene, results from an A to C substitution at nucleotide position 8222. The tyrosine at codon 2741 is replaced by serine, an amino acid with dissimilar properties. This amino acid position is well conserved in available vertebrate species. In addition, this alteration is predicted to be tolerated by in silico analysis. Since supporting evidence is limited at this time, the clinical significance of this alteration remains unclear.